The following is an entry in ClinVar:

ClinVar aggregate classification (germline): Conflicting classifications of pathogenicity. Review status: criteria provided, conflicting classifications (1 of 4 stars). 2 submissions from 2 submitters: Pathogenic (1); Uncertain significance (1). Last evaluated 2026-09-18.

Conditions:
Cardiovascular phenotype. Identifiers: MedGen CN230736.

Submissions (2):

GeneDx
Classification: Pathogenic. Last evaluated: 2026-09-18. Review status: criteria provided, single submitter. Criteria: GeneDx Variant Classification Process June 2021. Collection method: clinical testing. Allele origin: germline.
Comment: Frameshift variant predicted to result in protein truncation in a gene for which loss of function is a known mechanism of disease; Not observed at significant frequency in large population cohorts (gnomAD); Has not been previously published as pathogenic or benign to our knowledge

Ambry Genetics
Classification: Uncertain significance for Cardiovascular phenotype. Last evaluated: 2023-07-13. Review status: criteria provided, single submitter. Criteria: Ambry Variant Classification Scheme 2023. Collection method: clinical testing. Allele origin: germline.
Comment: The c.8208dupT variant, located in coding exon 24 of the DSP gene, results from a duplication of T at nucleotide position 8208, causing a translational frameshift with a predicted alternate stop codon (p.V2737Cfs*2). Alterations in DSP that result in haploinsufficiency or protein truncation have been reported in patients with arrhythmogenic right ventricular cardiomyopathy (ARVC) and dilated cardiomyopathy (DCM) (Fressart V et al. Europace. 2010;12(6):861-8; Elliott P et al. Circ Cardiovasc Genet. 2010;3(4):314-22; Quarta G et al. Circulation. 2011;123(23):2701-9; Garcia-Pavia P et al. Heart. 2011;97(21):1744-52; Rasmussen TB et al. Clin Genet. 2013;84(1):20-30; Pugh TJ et al. Genet Med. 2014;16(8):601-8). However, this alteration occurs at the 3' terminus of theDSP gene, is not expected to trigger nonsense-mediated mRNAdecay, and only impacts the last 135 amino acids (4.7%) of the protein. The exact functional effect of this alteration is unknown. Since supporting evidence is limited at this time, the clinical significance of this alteration remains unclear.

NM_004415.4(DSP):c.8208dup (p.Val2737fs)

Gene: DSP (desmoplakin; plus strand). Cytogenetic location: 6p24.3.
Variant type: Duplication.
Coding change: c.8208dup on transcript NM_004415.4 (MANE Select); coding-DNA position 8208, one base duplicated (T; older notation c.8208dupT).
Protein change: p.Val2737fs; shifts the reading frame from valine 2737.
Molecular consequence: frameshift variant.
Genome position (GRCh38, 1-based): chr6:7,585,470, T duplicated; the last of 2 consecutive T bases (chr6:7,585,469-7,585,470); duplicating either gives the same sequence. VCF-style (leftmost placement, unchanged base first): chr6-7585468-C-CT. GRCh37 (hg19) VCF-style: chr6-7585701-C-CT.
Other names: c.6879dup, p.Val2294fs (NM_001319034.2); c.6411dup, p.Val2138fs (NM_001008844.3); c.8208dupT (NM_004415.2); c.8208dup (NM_004415.2); short protein forms V2138fs, V2737fs, V2294fs.
Identifiers: ClinVar variation 817832 (VCV000817832.7), dbSNP rs1581825892, ClinGen allele CA915944154.